The following is an entry in ClinVar:

ClinVar aggregate classification (germline): Uncertain significance. Review status: criteria provided, multiple submitters, no conflicts (2 of 4 stars). 2 submissions from 2 submitters: Uncertain significance (2). Last evaluated 2025-04-30.

Conditions:
Neuropathy, hereditary sensory and autonomic, type 2A (HSAN2A). Also called: HSAN IIA; ACROOSTEOLYSIS, GIACCAI TYPE; ACROOSTEOLYSIS, NEUROGENIC; WNK1-Related HSAN2 (HSAN2A); MORVAN DISEASE; NEUROPATHY, CONGENITAL SENSORY. Identifiers: Orphanet 970, MedGen C2752089, MONDO:0024309, OMIM 201300.
Pseudohypoaldosteronism type 2C (PHA2C). Also called: Pseudohypoaldosteronism Type IIC. Identifiers: Orphanet 757, Orphanet 88940, MedGen C1840391, MONDO:0013778, OMIM 614492.

Allele frequency attached by ClinVar (database versions not stated): gnomAD exomes below 0.00001.

Submissions (2):

Labcorp Genetics (formerly Invitae), Labcorp
Classification: Uncertain significance for Neuropathy, hereditary sensory and autonomic, type 2A; Pseudohypoaldosteronism type 2C. Last evaluated: 2025-04-30. Review status: criteria provided, single submitter. Criteria: Invitae Variant Classification Sherloc (09022015). Collection method: clinical testing. Allele origin: germline.
Comment: This sequence change replaces alanine, which is neutral and non-polar, with valine, which is neutral and non-polar, at codon 1604 of the WNK1 protein (p.Ala1604Val). This variant is not present in population databases (gnomAD no frequency). This variant has not been reported in the literature in individuals affected with WNK1-related conditions. ClinVar contains an entry for this variant (Variation ID: 565783). Invitae Evidence Modeling of protein sequence and biophysical properties (such as structural, functional, and spatial information, amino acid conservation, physicochemical variation, residue mobility, and thermodynamic stability) indicates that this missense variant is not expected to disrupt WNK1 protein function with a negative predictive value of 95%. In summary, the available evidence is currently insufficient to determine the role of this variant in disease. Therefore, it has been classified as a Variant of Uncertain Significance.

Fulgent Genetics
Classification: Uncertain significance for Neuropathy, hereditary sensory and autonomic, type 2A; Pseudohypoaldosteronism type 2C. Last evaluated: 2024-03-21. Review status: criteria provided, single submitter. Criteria: ACMG Guidelines, 2015. Collection method: clinical testing. Allele origin: germline.

NM_018979.4(WNK1):c.4055C>T (p.Ala1352Val)

Gene: WNK1 (WNK lysine deficient protein kinase 1; plus strand). Cytogenetic location: 12p13.33.
Variant type: single nucleotide variant.
Coding change: c.4055C>T on transcript NM_018979.4 (MANE Select); coding-DNA position 4055, C replaced by T.
Protein change: p.Ala1352Val; replaces alanine 1352 with valine.
Molecular consequence: missense variant.
Genome position (GRCh38, 1-based): chr12:884,859, C>T. VCF-style: chr12-884859-C-T. GRCh37 (hg19) VCF-style: chr12-994025-C-T.
Other names: c.4835C>T, p.Ala1612Val (NM_001184985.2); c.3314C>T, p.Ala1105Val (NM_014823.3); c.4811C>T, p.Ala1604Val (NM_213655.5); short protein forms A1604V, A1352V, A1612V, A1105V.
Identifiers: ClinVar variation 565783 (VCV000565783.11), dbSNP rs1565581215, ClinGen allele CA383330469.